The following is an entry in ClinVar:

NM_178857.6(RP1L1):c.2012G>A (p.Arg671His)

Gene: RP1L1 (RP1 like 1). Cytogenetic location: 8p23.1.
Variant type: single nucleotide variant.
Coding change: c.2012G>A on transcript NM_178857.6 (MANE Select); coding-DNA position 2012, G replaced by A.
Protein change: p.Arg671His; replaces arginine 671 with histidine.
Molecular consequence: missense variant.
Genome position (GRCh38, 1-based): chr8:10,612,086, C>T on the plus strand (G>A on the coding strand, the complement: RP1L1 is on the minus strand). VCF-style: chr8-10612086-C-T. GRCh37 (hg19) VCF-style: chr8-10469596-C-T.
Other names: short protein forms R671H.
Identifiers: ClinVar variation 2519102 (VCV002519102.3), dbSNP rs747521627, ClinGen allele CA4624973.
Genomic context (GRCh38, chr8:10,612,086, plus strand): 5'-TCAGGAGGCCTCGGCACTTGCTTGGTTACAGAGGAGTCCAGTGGGCTGTGGGTGTCCTTG[C>T]GGTAGTGAGAATGCCTGGGATGGCCTCTCGGGGCCACTCGGCCAAGGCCAGGGCTGCTGG-3'
Protein context (NP_849188.4, residues 661-681): PRGHPRHSHY[Arg671His]KDTHSPLDSS

ClinVar aggregate classification (germline): Uncertain significance. Review status: criteria provided, multiple submitters, no conflicts (2 of 4 stars). 2 submissions from 2 submitters: Uncertain significance (2). Last evaluated 2025-01-15.

Conditions:
RP1L1-related disorder. Also called: RP1L1-related condition.
Inborn genetic diseases. Identifiers: MedGen C0950123, MeSH D030342.

Submissions (2):

PreventionGenetics, part of Exact Sciences
Classification: Uncertain significance for RP1L1-related condition. Last evaluated: 2025-01-15. Review status: criteria provided, single submitter. Criteria: ACMG Guidelines, 2015. Collection method: clinical testing. Allele origin: germline.
Comment: The RP1L1 c.2012G>A variant is predicted to result in the amino acid substitution p.Arg671His. To our knowledge, this variant has not been reported in the literature. This variant is reported in 0.012% of alleles in individuals of African descent in gnomAD. At this time, the clinical significance of this variant is uncertain due to the absence of conclusive functional and genetic evidence.

Ambry Genetics
Classification: Uncertain significance for Inborn genetic diseases. Last evaluated: 2023-05-31. Review status: criteria provided, single submitter. Criteria: Ambry Variant Classification Scheme 2023. Collection method: clinical testing. Allele origin: germline.